The following is an entry in ClinVar:

ClinVar aggregate classification (germline): Uncertain significance. Review status: criteria provided, multiple submitters, no conflicts (2 of 4 stars). 2 submissions from 2 submitters: Uncertain significance (2). Last evaluated 2025-11-20.

Allele frequency attached by ClinVar (database versions not stated): gnomAD exomes below 0.00001.
gnomAD v4.1: 3 of 1,210,465 alleles (0.00025%); highest among the groups gnomAD compares: African/African-American, 0.0017%; no homozygotes.

Submissions (2):

GeneDx
Classification: Uncertain significance. Last evaluated: 2025-11-20. Review status: criteria provided, single submitter. Criteria: GeneDx Variant Classification Process June 2021. Collection method: clinical testing. Allele origin: germline.
Comment: Has not been previously published as pathogenic or benign to our knowledge; Not observed at significant frequency in large population cohorts (gnomAD); In silico analysis suggests that this missense variant does not alter protein structure/function

Labcorp Genetics (formerly Invitae), Labcorp
Classification: Uncertain significance. Last evaluated: 2020-08-18. Review status: criteria provided, single submitter. Criteria: Invitae Variant Classification Sherloc (09022015). Collection method: clinical testing. Allele origin: germline.
Comment: This sequence change replaces lysine with arginine at codon 964 of the USP9X protein (p.Lys964Arg). The lysine residue is highly conserved and there is a small physicochemical difference between lysine and arginine. This variant is not present in population databases (ExAC no frequency). This variant has not been reported in the literature in individuals with USP9X-related conditions. Algorithms developed to predict the effect of missense changes on protein structure and function are either unavailable or do not agree on the potential impact of this missense change (SIFT: "Deleterious"; PolyPhen-2: "Probably Damaging"; Align-GVGD: "Class C0"). In summary, the available evidence is currently insufficient to determine the role of this variant in disease. Therefore, it has been classified as a Variant of Uncertain Significance.

NM_001039591.3(USP9X):c.2891A>G (p.Lys964Arg)

Gene: USP9X (ubiquitin specific peptidase 9 X-linked; plus strand). Cytogenetic location: Xp11.4.
Variant type: single nucleotide variant.
Coding change: c.2891A>G on transcript NM_001039591.3 (MANE Select); coding-DNA position 2891, A replaced by G.
Protein change: p.Lys964Arg; replaces lysine 964 with arginine.
Molecular consequence: missense variant.
Genome position (GRCh38, 1-based): chrX:41,170,483, A>G. VCF-style: chrX-41170483-A-G. GRCh37 (hg19) VCF-style: chrX-41029736-A-G.
Other names: c.2891A>G, p.Lys964Arg (NM_001039590.3); short protein forms K964R.
Identifiers: ClinVar variation 1039796 (VCV001039796.11), dbSNP rs2062716262, ClinGen allele CA412759115.